The following is an entry in ClinVar:

NM_014727.3(KMT2B):c.6967C>T (p.Arg2323Cys)

Gene: KMT2B (lysine methyltransferase 2B; plus strand). Cytogenetic location: 19q13.12.
Variant type: single nucleotide variant.
Coding change: c.6967C>T on transcript NM_014727.3 (MANE Select); coding-DNA position 6967, C replaced by T.
Protein change: p.Arg2323Cys; replaces arginine 2323 with cysteine.
Molecular consequence: missense variant.
Genome position (GRCh38, 1-based): chr19:35,733,604, C>T. VCF-style: chr19-35733604-C-T. GRCh37 (hg19) VCF-style: chr19-36224505-C-T.
Other names: c.6967C>T (NM_014727.1); short protein forms R2323C.
Identifiers: ClinVar variation 2892830 (VCV002892830.3), dbSNP rs942168751, ClinGen allele CA307797728.

ClinVar aggregate classification (germline): Uncertain significance. Review status: criteria provided, multiple submitters, no conflicts (2 of 4 stars). 2 submissions from 2 submitters: Uncertain significance (2). Last evaluated 2025-02-22.

Conditions:
Inborn genetic diseases. Identifiers: MedGen C0950123, MeSH D030342.

Allele frequency attached by ClinVar (database versions not stated): TOPMed 0.00002; gnomAD exomes 0.00004.
gnomAD v4.1: 49 of 1,580,122 alleles (0.0031%); highest among the groups gnomAD compares: Non-Finnish European, 0.004%; no homozygotes.

Submissions (2):

Ambry Genetics
Classification: Uncertain significance for Inborn genetic diseases. Last evaluated: 2025-02-22. Review status: criteria provided, single submitter. Criteria: Ambry Variant Classification Scheme 2023. Collection method: clinical testing. Allele origin: germline.

Labcorp Genetics (formerly Invitae), Labcorp
Classification: Uncertain significance. Last evaluated: 2025-01-28. Review status: criteria provided, single submitter. Criteria: Invitae Variant Classification Sherloc (09022015). Collection method: clinical testing. Allele origin: germline.
Comment: This sequence change replaces arginine, which is basic and polar, with cysteine, which is neutral and slightly polar, at codon 2323 of the KMT2B protein (p.Arg2323Cys). This variant is present in population databases (no rsID available, gnomAD 0.004%). This variant has not been reported in the literature in individuals affected with KMT2B-related conditions. ClinVar contains an entry for this variant (Variation ID: 2892830). Invitae Evidence Modeling of protein sequence and biophysical properties (such as structural, functional, and spatial information, amino acid conservation, physicochemical variation, residue mobility, and thermodynamic stability) indicates that this missense variant is not expected to disrupt KMT2B protein function with a negative predictive value of 80%. In summary, the available evidence is currently insufficient to determine the role of this variant in disease. Therefore, it has been classified as a Variant of Uncertain Significance.